The following is an entry in ClinVar:

NM_000018.4(ACADVL):c.106_118del (p.Ala36fs)

Genes: ACADVL (acyl-CoA dehydrogenase very long chain; plus strand), LOC130060113 (ATAC-STARR-seq lymphoblastoid silent region 8088; plus strand). Cytogenetic location: 17p13.1.
Variant type: Deletion.
Coding change: c.106_118del on transcript NM_000018.4 (MANE Select); coding-DNA positions 106 to 118, 13 bases deleted (GCCCGGCGGCCCT).
Protein change: p.Ala36fs; shifts the reading frame from alanine 36.
Molecular consequence: frameshift variant. On other transcripts: 5 prime UTR variant (1).
Genome position (GRCh38, 1-based): chr17:7,220,165-7,220,177, GCCCGGCGGCCCT deleted; deleting any 13 consecutive bases within chr17:7,220,158-7,220,177 gives the same sequence; the c. name uses the placement nearest the transcript's 3' end. VCF-style (leftmost placement, unchanged base first): chr17-7220157-CCGGCCCTGCCCGG-C. GRCh37 (hg19) VCF-style: chr17-7123476-CCGGCCCTGCCCGG-C.
Other names: c.106_118del, p.Ala36fs (NM_001033859.3); c.175_187del, p.Ala59fs (NM_001270447.2); c.-123_-111del (NM_001270448.2); c.106_118del (NM_000018.3); short protein forms A36fs, A59fs.
Identifiers: ClinVar variation 3652243 (VCV003652243.3).

ClinVar aggregate classification (germline): Pathogenic/Likely pathogenic. Review status: criteria provided, multiple submitters, no conflicts (2 of 4 stars). 2 submissions from 2 submitters: Pathogenic (1); Likely pathogenic (1). Last evaluated 2024-07-08.

Conditions:
Very long chain acyl-CoA dehydrogenase deficiency (ACADVLD). Also called: Very Long-Chain Acyl-Coenzyme A Dehydrogenase Deficiency; VLCAD Deficiency. Identifiers: Orphanet 26793, MedGen C3887523, MONDO:0008723, OMIM 201475.

Submissions (2):

Natera, Inc.
Classification: Likely pathogenic for Very long chain acyl-CoA dehydrogenase deficiency. Last evaluated: 2024-07-08. Review status: criteria provided, single submitter. Criteria: Natera Variant Classification Schema (03/2026). Collection method: clinical testing. Allele origin: germline.
Comment: The c.106_118del variant in ACADVL is a frameshift variant predicted to shift the reading frame beginning at codon 36 and leads to a stop codon 21 codons downstream. This variant is expected to result in nonsense mediated decay, truncation, or a dysfunctional protein product. This variant is rare in the general population with a frequency below the threshold expected for the associated phenotype(s). Given the available evidence, this variant is classified as Likely Pathogenic.

Labcorp Genetics (formerly Invitae), Labcorp
Classification: Pathogenic for Very long chain acyl-CoA dehydrogenase deficiency. Last evaluated: 2024-05-05. Review status: criteria provided, single submitter. Criteria: Invitae Variant Classification Sherloc (09022015). Collection method: clinical testing. Allele origin: germline.
Comment: This sequence change creates a premature translational stop signal (p.Ala36Metfs*21) in the ACADVL gene. It is expected to result in an absent or disrupted protein product. Loss-of-function variants in ACADVL are known to be pathogenic (PMID: 9973285, 11590124). This variant is not present in population databases (gnomAD no frequency). This variant has not been reported in the literature in individuals affected with ACADVL-related conditions. For these reasons, this variant has been classified as Pathogenic.

Literature cited by the submitters: PubMed 9973285 (cited by Labcorp Genetics (formerly Invitae), Labcorp); PubMed 11590124 (cited by Labcorp Genetics (formerly Invitae), Labcorp).